The following is an entry in ClinVar:

NM_001370466.1(NOD2):c.1411G>A (p.Glu471Lys)

Gene: NOD2 (nucleotide binding oligomerization domain containing 2; plus strand). Cytogenetic location: 16q12.1.
Variant type: single nucleotide variant.
Coding change: c.1411G>A on transcript NM_001370466.1 (MANE Select); coding-DNA position 1411, G replaced by A.
Protein change: p.Glu471Lys; replaces glutamic acid 471 with lysine.
Molecular consequence: missense variant. On other transcripts: non-coding transcript variant (1).
Genome position (GRCh38, 1-based): chr16:50,711,403, G>A. VCF-style: chr16-50711403-G-A. GRCh37 (hg19) VCF-style: chr16-50745314-G-A.
Other names: c.1411G>A, p.Glu471Lys (NM_001293557.2); c.1492G>A, p.Glu498Lys (NM_022162.3); short protein forms E471K, E498K.
Identifiers: ClinVar variation 2444363 (VCV002444363.1), dbSNP rs2506414140, ClinGen allele CA395869038.
Genomic context (GRCh38, chr16:50,711,403, plus strand): 5'-GCCCTGCACGGTTTGTGCCACCTGCCTGTCTTCTCATGGATGGTGTCCAAATGCCACCAG[G>A]AACTGTTGCTGCAGGAGGGGGGGTCCCCAAAGACCACTACAGATATGTACCTGCTGATTC-3'
Protein context (NP_001357395.1, residues 461-481): FSWMVSKCHQ[Glu471Lys]LLLQEGGSPK

ClinVar aggregate classification (germline): Uncertain significance (1 of 4 stars; one submission).

Conditions:
Blau syndrome (BLAUS). Also called: JABS SYNDROME; ARTHROCUTANEOUVEAL GRANULOMATOSIS; GRANULOMATOSIS, FAMILIAL JUVENILE SYSTEMIC; GRANULOMATOSIS, FAMILIAL, BLAU TYPE; GRANULOMATOUS INFLAMMATORY ARTHRITIS, DERMATITIS, AND UVEITIS, FAMILIAL. Identifiers: Orphanet 90340, MedGen C5201146, MONDO:0008523, OMIM 186580.

Submission:

3billion
Classification: Uncertain significance for Blau syndrome. Last evaluated: 2023-02-23. Review status: criteria provided, single submitter. Criteria: ACMG Guidelines, 2015. Collection method: clinical testing. Allele origin: unknown. Affected: yes.
Comment: The variant is not observed in the gnomAD v2.1.1 dataset. Missense changes are a common disease-causing mechanism. Different missense changes at the same codon (p.Glu471Asp, p.Glu471Gly) have been reported to be associated with NOD2 related disorder (PMID: 24876985, 34251956). However the evidence of pathogenicity is insufficient at this time. Therefore, this variant is classified as VUS according to the recommendation of ACMG/AMP guideline.

Literature cited by the submitters: PubMed 34251956; PubMed 24876985.